The following is an entry in ClinVar:

NM_021615.5(CHST6):c.464G>T (p.Arg155Leu)

Gene: CHST6 (carbohydrate sulfotransferase 6; minus strand). Cytogenetic location: 16q23.1.
Variant type: single nucleotide variant.
Coding change: c.464G>T on transcript NM_021615.5 (MANE Select); coding-DNA position 464, G replaced by T.
Protein change: p.Arg155Leu; replaces arginine 155 with leucine.
Molecular consequence: missense variant.
Genome position (GRCh38, 1-based): chr16:75,479,365, C>A on the plus strand (G>T on the coding strand, the complement: CHST6 is on the minus strand). VCF-style: chr16-75479365-C-A. GRCh37 (hg19) VCF-style: chr16-75513263-C-A.
Other names: short protein forms R155L.
Identifiers: ClinVar variation 2058256 (VCV002058256.4), dbSNP rs763278830, ClinGen allele CA8175492.
Genomic context (GRCh38, chr16:75,479,365, plus strand): 5'-TCCTTGAGCACCACGTGGCTGTAGGAGCGGCAGGCCTCCCGGGCCAGGGTGAAGGACTGC[C>A]GCGCGCACAGTGGCTTGCACACGGCCTCGCTGCTGATGGCGCCTCGGGGAAAGGCACTGC-3'
Protein context (NP_067628.1, residues 145-165): SEAVCKPLCA[Arg155Leu]QSFTLAREAC

ClinVar aggregate classification (germline): Uncertain significance. Review status: criteria provided, multiple submitters, no conflicts (2 of 4 stars). 2 submissions from 2 submitters: Uncertain significance (2). Last evaluated 2024-03-12.

Conditions:
Macular corneal dystrophy (MCD). Also called: Macular corneal dystrophy Type I; GROENOUW TYPE II CORNEAL DYSTROPHY. Identifiers: Orphanet 98969, MedGen C1636149, MONDO:0009020, OMIM 217800.

Allele frequency attached by ClinVar (database versions not stated): ExAC 0.00001.
gnomAD v4.1: 26 of 1,612,674 alleles (0.0016%); highest among the groups gnomAD compares: South Asian, 0.0055%; no homozygotes.

Submissions (2):

Labcorp Genetics (formerly Invitae), Labcorp
Classification: Uncertain significance for Macular corneal dystrophy. Last evaluated: 2024-03-12. Review status: criteria provided, single submitter. Criteria: Invitae Variant Classification Sherloc (09022015). Collection method: clinical testing. Allele origin: germline.
Comment: This sequence change replaces arginine, which is basic and polar, with leucine, which is neutral and non-polar, at codon 155 of the CHST6 protein (p.Arg155Leu). This variant is present in population databases (rs763278830, gnomAD 0.01%). This variant has not been reported in the literature in individuals affected with CHST6-related conditions. ClinVar contains an entry for this variant (Variation ID: 2058256). Advanced modeling of protein sequence and biophysical properties (such as structural, functional, and spatial information, amino acid conservation, physicochemical variation, residue mobility, and thermodynamic stability) performed at Invitae indicates that this missense variant is not expected to disrupt CHST6 protein function with a negative predictive value of 80%. In summary, the available evidence is currently insufficient to determine the role of this variant in disease. Therefore, it has been classified as a Variant of Uncertain Significance.

Blueprint Genetics
Classification: Uncertain significance. Last evaluated: 2023-10-30. Review status: criteria provided, single submitter. Criteria: ACMG Guidelines, 2015. Collection method: clinical testing. Allele origin: germline.